The following is an entry in ClinVar:

ClinVar aggregate classification (germline): Uncertain significance (1 of 4 stars; one submission).

Conditions:
Hereditary cancer-predisposing syndrome. Also called: Neoplastic Syndromes, Hereditary; Tumor predisposition; Hereditary neoplastic syndrome; Hereditary Cancer Syndrome. Identifiers: Orphanet 140162, MedGen C0027672, MeSH D009386, MONDO:0015356.

Submission:

Ambry Genetics
Classification: Uncertain significance for Hereditary cancer-predisposing syndrome. Last evaluated: 2026-07-02. Review status: criteria provided, single submitter. Criteria: Ambry Variant Classification Scheme 2023. Collection method: clinical testing. Allele origin: germline.
Comment: The p.A264V variant (also known as c.791C>T), located in coding exon 8 of the SDHB gene, results from a C to T substitution at nucleotide position 791. The alanine at codon 264 is replaced by valine, an amino acid with similar properties. This amino acid position is conserved. In addition, this alteration is predicted to be deleterious by in silico analysis. Based on the available evidence, the clinical significance of this variant remains unclear.

NM_003000.3(SDHB):c.791C>T (p.Ala264Val)

Gene: SDHB (succinate dehydrogenase complex iron sulfur subunit B; minus strand). Cytogenetic location: 1p36.13.
Variant type: single nucleotide variant.
Coding change: c.791C>T on transcript NM_003000.3 (MANE Select); coding-DNA position 791, C replaced by T.
Protein change: p.Ala264Val; replaces alanine 264 with valine.
Molecular consequence: missense variant.
Genome position (GRCh38, 1-based): chr1:17,018,933, G>A on the plus strand (C>T on the coding strand, the complement: SDHB is on the minus strand). VCF-style: chr1-17018933-G-A. GRCh37 (hg19) VCF-style: chr1-17345428-G-A.
Other names: c.737C>T, p.Ala246Val (NM_001407361.1); short protein forms A246V, A264V.
Identifiers: ClinVar variation 5029262 (VCV005029262.1).